The following is an entry in ClinVar:

NM_144628.4(TBC1D20):c.337+260G>A

Gene: TBC1D20 (TBC1 domain family member 20; minus strand). Cytogenetic location: 20p13.
Variant type: single nucleotide variant.
Coding change: c.337+260G>A on transcript NM_144628.4 (MANE Select); 260 bases into the intron after coding-DNA position 337, G replaced by A.
Molecular consequence: intron variant.
Genome position (GRCh38, 1-based): chr20:444,790, C>T on the plus strand (G>A on the coding strand, the complement: TBC1D20 is on the minus strand). VCF-style: chr20-444790-C-T. GRCh37 (hg19) VCF-style: chr20-425434-C-T.
Identifiers: ClinVar variation 667541 (VCV000667541.1), dbSNP rs2273463, ClinGen allele CA15960172.

ClinVar aggregate classification (germline): Benign (1 of 4 stars; one submission).

Allele frequency attached by ClinVar (database versions not stated): 1000 Genomes Project 0.40335; 1000 Genomes Project 30x 0.40771; TOPMed 0.42843; gnomAD 0.43431 and 0.43600.

Submission:

GeneDx
Classification: Benign. Last evaluated: 2018-06-19. Review status: criteria provided, single submitter. Criteria: GeneDx Variant Classification (06012015). Collection method: clinical testing. Allele origin: germline. Affected: yes.
Comment: This variant is considered likely benign or benign based on one or more of the following criteria: it is a conservative change, it occurs at a poorly conserved position in the protein, it is predicted to be benign by multiple in silico algorithms, and/or has population frequency not consistent with disease.